The following is an entry in ClinVar:

ClinVar aggregate classification (germline): Uncertain significance. Review status: criteria provided, multiple submitters, no conflicts (2 of 4 stars). 2 submissions from 2 submitters: Uncertain significance (2). Last evaluated 2024-08-29.

Conditions:
Noonan syndrome (NS). Also called: Noonan's syndrome. Identifiers: Orphanet 648, MedGen C0028326, MeSH D009634, MONDO:0018997. Disease mechanism: gain of function.

Submissions (2):

Labcorp Genetics (formerly Invitae), Labcorp
Classification: Uncertain significance. Last evaluated: 2024-08-29. Review status: criteria provided, single submitter. Criteria: Invitae Variant Classification Sherloc (09022015). Collection method: clinical testing. Allele origin: germline.
Comment: This sequence change replaces phenylalanine, which is neutral and non-polar, with valine, which is neutral and non-polar, at codon 666 of the LZTR1 protein (p.Phe666Val). This variant is not present in population databases (gnomAD no frequency). This variant has not been reported in the literature in individuals affected with LZTR1-related conditions. Invitae Evidence Modeling of protein sequence and biophysical properties (such as structural, functional, and spatial information, amino acid conservation, physicochemical variation, residue mobility, and thermodynamic stability) indicates that this missense variant is not expected to disrupt LZTR1 protein function with a negative predictive value of 80%. In summary, the available evidence is currently insufficient to determine the role of this variant in disease. Therefore, it has been classified as a Variant of Uncertain Significance.

Clinical Genomics Laboratory, Washington University in St. Louis
Classification: Uncertain significance for Noonan syndrome. Last evaluated: 2023-09-13. Review status: criteria provided, single submitter. Criteria: ACMG Guidelines, 2015. Collection method: clinical testing. Allele origin: germline.
Comment: The LZTR1 c.1996T>G (p.Phe666Val) variant was identified at near heterozygous allelic fraction and, to our knowledge, it has not been reported in the medical literature. This variant is absent from the general population (gnomAD v3.1.2), indicating it is not a common variant. Computational predictors indicate that the variant is damaging, evidence that correlates with impact to LZTR1 function. Due to limited information, and based on ACMG/AMP guidelines for variant interpretation (Richards S et al., PMID: 25741868), the clinical significance of this variant is uncertain at this time.

NM_006767.4(LZTR1):c.1996T>G (p.Phe666Val)

Gene: LZTR1 (leucine zipper like post translational regulator 1; plus strand). Cytogenetic location: 22q11.21.
Variant type: single nucleotide variant.
Coding change: c.1996T>G on transcript NM_006767.4 (MANE Select); coding-DNA position 1996, T replaced by G.
Protein change: p.Phe666Val; replaces phenylalanine 666 with valine.
Molecular consequence: missense variant.
Genome position (GRCh38, 1-based): chr22:20,995,799, T>G. VCF-style: chr22-20995799-T-G. GRCh37 (hg19) VCF-style: chr22-21350088-T-G.
Other names: short protein forms F666V.
Identifiers: ClinVar variation 2672134 (VCV002672134.4), dbSNP rs2518623898, ClinGen allele CA410779025.